The following is an entry in ClinVar:

NM_002439.5(MSH3):c.2291T>C (p.Ile764Thr)

Gene: MSH3 (mutS homolog 3; plus strand). Cytogenetic location: 5q14.1.
Variant type: single nucleotide variant.
Coding change: c.2291T>C on transcript NM_002439.5 (MANE Select); coding-DNA position 2291, T replaced by C.
Protein change: p.Ile764Thr; replaces isoleucine 764 with threonine.
Molecular consequence: missense variant.
Genome position (GRCh38, 1-based): chr5:80,775,731, T>C. VCF-style: chr5-80775731-T-C. GRCh37 (hg19) VCF-style: chr5-80071550-T-C.
Other names: short protein forms I764T.
Identifiers: ClinVar variation 1789120 (VCV001789120.8), dbSNP rs1008476275, ClinGen allele CA121325881.

ClinVar aggregate classification (germline): Uncertain significance. Review status: criteria provided, multiple submitters, no conflicts (2 of 4 stars). 2 submissions from 2 submitters: Uncertain significance (2). Last evaluated 2025-08-09.

Conditions:
Hereditary cancer-predisposing syndrome. Also called: Hereditary Cancer Syndrome; Hereditary neoplastic syndrome; Tumor predisposition; Neoplastic Syndromes, Hereditary. Identifiers: Orphanet 140162, MedGen C0027672, MeSH D009386, MONDO:0015356.

Allele frequency attached by ClinVar (database versions not stated): gnomAD exomes below 0.00001.

Submissions (2):

Ambry Genetics
Classification: Uncertain significance for Hereditary cancer-predisposing syndrome. Last evaluated: 2025-08-09. Review status: criteria provided, single submitter. Criteria: Ambry Variant Classification Scheme 2023. Collection method: clinical testing. Allele origin: germline.
Comment: The p.I764T variant (also known as c.2291T>C), located in coding exon 16 of the MSH3 gene, results from a T to C substitution at nucleotide position 2291. The isoleucine at codon 764 is replaced by threonine, an amino acid with similar properties. This amino acid position is conserved. In addition, the in silico prediction for this alteration is inconclusive. Since supporting evidence is limited at this time, the clinical significance of this alteration remains unclear.

Labcorp Genetics (formerly Invitae), Labcorp
Classification: Uncertain significance. Last evaluated: 2024-08-08. Review status: criteria provided, single submitter. Criteria: Invitae Variant Classification Sherloc (09022015). Collection method: clinical testing. Allele origin: germline.
Comment: This sequence change replaces isoleucine, which is neutral and non-polar, with threonine, which is neutral and polar, at codon 764 of the MSH3 protein (p.Ile764Thr). This variant is present in population databases (no rsID available, gnomAD 0.003%). This variant has not been reported in the literature in individuals affected with MSH3-related conditions. ClinVar contains an entry for this variant (Variation ID: 1789120). An algorithm developed to predict the effect of missense changes on protein structure and function (PolyPhen-2) suggests that this variant is likely to be disruptive. In summary, the available evidence is currently insufficient to determine the role of this variant in disease. Therefore, it has been classified as a Variant of Uncertain Significance.